The following is an entry in ClinVar:

NM_004415.4(DSP):c.508G>A (p.Gly170Arg)

Gene: DSP (desmoplakin; plus strand). Cytogenetic location: 6p24.3.
Variant type: single nucleotide variant.
Coding change: c.508G>A on transcript NM_004415.4 (MANE Select); coding-DNA position 508, G replaced by A.
Protein change: p.Gly170Arg; replaces glycine 170 with arginine.
Molecular consequence: missense variant.
Genome position (GRCh38, 1-based): chr6:7,559,311, G>A. VCF-style: chr6-7559311-G-A. GRCh37 (hg19) VCF-style: chr6-7559544-G-A.
Other names: c.508G>A, p.Gly170Arg (NM_001008844.3, NM_001319034.2); short protein forms G170R.
Identifiers: ClinVar variation 1017335 (VCV001017335.10), dbSNP rs779608764, ClinGen allele CA043870.
Genomic context (GRCh38, chr6:7,559,311, plus strand): 5'-CGAGCCCTTTATAAAGCCATCAGTGTCCCTCGAGTCCGCAGGGCCAGCTCCAAGGGTGGT[G>A]GAGGCTACACTTGTCAGAGTGGCTCTGGCTGGGATGAGTTCACCAAACATGTCACCAGTG-3'
Protein context (NP_004406.2, residues 160-180): RVRRASSKGG[Gly170Arg]GYTCQSGSGW

ClinVar aggregate classification (germline): Conflicting classifications of pathogenicity. Review status: criteria provided, conflicting classifications (1 of 4 stars). 2 submissions from 2 submitters: Uncertain significance (1); Likely benign (1). Last evaluated 2024-10-28.

Conditions:
Cardiomyopathy (CMYO). Also called: Cardiomyopathies. Identifiers: Orphanet 167848, MedGen C0878544, MONDO:0004994, HP:0001638. Inheritance: Various modes of inheritance.
Arrhythmogenic right ventricular dysplasia 8 (ARVD8). Also called: ARRHYTHMOGENIC RIGHT VENTRICULAR DYSPLASIA, FAMILIAL, 8; Arrhythmogenic Right Ventricular Dysplasia/Cardiomyopathy 8; ARRHYTHMOGENIC RIGHT VENTRICULAR CARDIOMYOPATHY 8. Identifiers: MedGen C1843896, MONDO:0011831, OMIM 607450.
Arrhythmogenic cardiomyopathy with wooly hair and keratoderma. Also called: Dilated cardiomyopathy with woolly hair and keratoderma; Carvajal syndrome; Arrhythmogenic cardiomyopathy with woolly hair and keratoderma; PALMOPLANTAR KERATODERMA WITH LEFT VENTRICULAR CARDIOMYOPATHY AND WOOLLY HAIR. Identifiers: Orphanet 65282, MedGen C1854063, MONDO:0011581, OMIM 605676.

Allele frequency attached by ClinVar (database versions not stated): gnomAD 0.00001; gnomAD exomes 0.00001 and 0.00002; ExAC 0.00002; TOPMed 0.00002.

Submissions (2):

Labcorp Genetics (formerly Invitae), Labcorp
Classification: Likely benign for Arrhythmogenic cardiomyopathy with wooly hair and keratoderma; Arrhythmogenic right ventricular dysplasia 8. Last evaluated: 2024-10-28. Review status: criteria provided, single submitter. Criteria: Invitae Variant Classification Sherloc (09022015). Collection method: clinical testing. Allele origin: germline.

Color Diagnostics, LLC DBA Color Health
Classification: Uncertain significance for Cardiomyopathy. Last evaluated: 2023-12-06. Review status: criteria provided, single submitter. Criteria: ACMG Guidelines, 2015. Collection method: clinical testing. Allele origin: germline.
Comment: This missense variant replaces glycine with arginine at codon 170 of the DSP protein. Computational prediction suggests that this variant may not impact protein structure and function. To our knowledge, functional studies have not been reported for this variant. This variant has not been reported in individuals affected with DSP-related disorders in the literature. This variant has been identified in 4/251294 chromosomes in the general population by the Genome Aggregation Database (gnomAD). The available evidence is insufficient to determine the role of this variant in disease conclusively. Therefore, this variant is classified as a Variant of Uncertain Significance.